The following is an entry in ClinVar:

ClinVar aggregate classification (germline): Likely benign. Review status: criteria provided, multiple submitters, no conflicts (2 of 4 stars). 2 submissions from 2 submitters: Likely benign (2). Last evaluated 2026-05-01.

Allele frequency attached by ClinVar (database versions not stated): gnomAD 0.00005 and 0.00003; TOPMed 0.00005; ESP Exome Variant Server 0.00009; ExAC 0.00001; gnomAD exomes 0.00003.
gnomAD v4.1: 33 of 1,209,474 alleles (0.0027%); highest among the groups gnomAD compares: South Asian, 0.014%; no homozygotes.

Submissions (2):

CeGaT Center for Human Genetics Tuebingen
Classification: Likely benign. Last evaluated: 2026-05-01. Review status: criteria provided, single submitter. Criteria: CeGaT Center For Human Genetics Tuebingen Variant Classification Criteria Version 2. Collection method: clinical testing. Allele origin: germline. Affected: yes. Observed: 1 variant allele.
Comment: CLCN4: BP4, BP7, BS2

Labcorp Genetics (formerly Invitae), Labcorp
Classification: Likely benign. Last evaluated: 2025-08-29. Review status: criteria provided, single submitter. Criteria: Invitae Variant Classification Sherloc (09022015). Collection method: clinical testing. Allele origin: germline.

NM_001830.4(CLCN4):c.984C>T (p.Tyr328=)

Gene: CLCN4 (Cl-/H+ antiporter 4; plus strand). Cytogenetic location: Xp22.2.
Variant type: single nucleotide variant.
Coding change: c.984C>T on transcript NM_001830.4 (MANE Select); coding-DNA position 984, C replaced by T.
Protein change: p.Tyr328=; no amino-acid change (tyrosine 328 retained).
Molecular consequence: synonymous variant.
Genome position (GRCh38, 1-based): chrX:10,208,185, C>T. VCF-style: chrX-10208185-C-T. GRCh37 (hg19) VCF-style: chrX-10176225-C-T.
Other names: c.702C>T, p.Tyr234= (NM_001256944.2).
Identifiers: ClinVar variation 699287 (VCV000699287.10), dbSNP rs140518267, ClinGen allele CA10347163.
Genomic context (GRCh38, chrX:10,208,185, plus strand): 5'-CAATCCCTTTGGGAATAGCCGTCTCGTTCTCTTTTATGTGGAATACCACACGCCCTGGTA[C>T]ATGGCTGAACTCTTCCCCTTCATCCTGCTTGGGGTCTTCGGGGGCTTGTGGGGAACCCTC-3'
Protein context (NP_001821.2, residues 318-338): LFYVEYHTPW[Tyr328=]MAELFPFILL